The following is an entry in ClinVar:

NM_152564.5(VPS13B):c.9331-14_9331-3del

Gene: VPS13B (vacuolar protein sorting 13 homolog B; plus strand). Cytogenetic location: 8q22.2.
Variant type: Deletion.
Coding change: c.9331-14_9331-3del on transcript NM_152564.5 (MANE Select); 14 bases into the intron before coding-DNA position 9331 through 3 bases into the intron before coding-DNA position 9331, 12 bases deleted (TTTTTTTTTTTT).
Molecular consequence: intron variant.
Genome position (GRCh38, 1-based): chr8:99,832,355-99,832,366, TTTTTTTTTTTT deleted; deleting any 12 consecutive bases within chr8:99,832,342-99,832,366 gives the same sequence; the c. name uses the placement nearest the transcript's 3' end. VCF-style (leftmost placement, unchanged base first): chr8-99832341-ATTTTTTTTTTTT-A. GRCh37 (hg19) VCF-style: chr8-100844569-ATTTTTTTTTTTT-A.
Other names: c.9331-14_9331-3del12 (NM_152564.4); c.9406-14_9406-3del (NM_017890.5).
Identifiers: ClinVar variation 2911903 (VCV002911903.5), dbSNP rs370235149, ClinGen allele CA1117120966.

ClinVar aggregate classification (germline): Likely benign. Review status: criteria provided, single submitter (1 of 4 stars). 2 submissions from 2 submitters: Likely benign (1). 1 of the submissions does not count toward it. Last evaluated 2025-10-21.

Conditions:
Cohen syndrome (COH1). Also called: PEPPER SYNDROME; Cutis verticis gyrata, retinitis pigmentosa, and sensorineural deafness. Identifiers: Orphanet 193, MedGen C0265223, MONDO:0008999, OMIM 216550.
VPS13B-related disorder. Also called: VPS13B-related condition.

Submissions (2):

Labcorp Genetics (formerly Invitae), Labcorp
Classification: Likely benign for Cohen syndrome. Last evaluated: 2025-10-21. Review status: criteria provided, single submitter. Criteria: Invitae Variant Classification Sherloc (09022015). Collection method: clinical testing. Allele origin: germline.

PreventionGenetics, part of Exact Sciences
Classification: Likely benign for VPS13B-related condition. Last evaluated: 2023-03-17. Review status: no assertion criteria provided. Collection method: clinical testing. Allele origin: germline. Not counted in ClinVar's aggregate classification.
Comment: This variant is classified as likely benign based on ACMG/AMP sequence variant interpretation guidelines (Richards et al. 2015 PMID: 25741868, with internal and published modifications).